The following is an entry in ClinVar:

NM_004517.4(ILK):c.679T>C (p.Trp227Arg)

Genes: TAF10 (TATA-box binding protein associated factor 10; minus strand), ILK (integrin linked kinase; plus strand). Cytogenetic location: 11p15.4.
Variant type: single nucleotide variant.
Coding change: c.679T>C on transcript NM_004517.4 (MANE Select); coding-DNA position 679, T replaced by C.
Protein change: p.Trp227Arg; replaces tryptophan 227 with arginine.
Molecular consequence: missense variant. On other transcripts: 3 prime UTR variant (1).
Genome position (GRCh38, 1-based): chr11:6,609,359, T>C. VCF-style: chr11-6609359-T-C. GRCh37 (hg19) VCF-style: chr11-6630590-T-C.
Other names: c.679T>C, p.Trp227Arg (NM_001014794.3, NM_001014795.3); c.496T>C, p.Trp166Arg (NM_001278441.2); c.277T>C, p.Trp93Arg (NM_001278442.2); c.*1563A>G (NM_006284.4); short protein forms W166R, W227R, W93R.
Identifiers: ClinVar variation 3708133 (VCV003708133.2).
Genomic context (GRCh38, chr11:6,609,359, plus strand): 5'-CTATGGAAGGGCCGCTGGCAGGGCAATGACATTGTCGTGAAGGTGCTGAAGGTTCGAGAC[T>C]GGAGTACAAGGAAGAGCAGGGACTTCAATGAAGAGTGTCCCCGGCTCAGGTAGTGCAAGG-3'
Protein context (NP_004508.1, residues 217-237): IVVKVLKVRD[Trp227Arg]STRKSRDFNE

ClinVar aggregate classification (germline): Uncertain significance (1 of 4 stars; one submission).

Conditions:
Primary familial hypertrophic cardiomyopathy (HCM). Identifiers: Orphanet 99739, MedGen C0949658, MeSH D024741, MONDO:0024573. Inheritance: Various modes of inheritance.

Submission:

Labcorp Genetics (formerly Invitae), Labcorp
Classification: Uncertain significance for Primary familial hypertrophic cardiomyopathy. Last evaluated: 2025-04-07. Review status: criteria provided, single submitter. Criteria: Invitae Variant Classification Sherloc (09022015). Collection method: clinical testing. Allele origin: germline.
Comment: This sequence change replaces tryptophan, which is neutral and slightly polar, with arginine, which is basic and polar, at codon 227 of the ILK protein (p.Trp227Arg). This variant is not present in population databases (gnomAD no frequency). This variant has not been reported in the literature in individuals affected with ILK-related conditions. ClinVar contains an entry for this variant (Variation ID: 3708133). An algorithm developed to predict the effect of missense changes on protein structure and function (PolyPhen-2) suggests that this variant is likely to be disruptive. In summary, the available evidence is currently insufficient to determine the role of this variant in disease. Therefore, it has been classified as a Variant of Uncertain Significance.